The following is an entry in ClinVar:

ClinVar aggregate classification (germline): Uncertain significance (0 of 4 stars; one submission).

Conditions:
Congenital myasthenic syndrome 20. Also called: Myasthenic syndrome, congenital, 20, presynaptic. Identifiers: MedGen C4310694, MONDO:0014939, OMIM 617143.

Allele frequency attached by ClinVar (database versions not stated): TOPMed below 0.00001; gnomAD 0.00001.
gnomAD v4.1: 1 of 1,613,650 alleles (0.000062%); highest among the groups gnomAD compares: Admixed American, 0.0017%; no homozygotes.

Submission:

Ricardo Maselli Laboratory, University of California Davis
Classification: Uncertain significance for Congenital myasthenic syndrome 20. Last evaluated: 2024-01-14. Review status: no assertion criteria provided. Collection method: clinical testing. Allele origin: unknown. Inheritance: Autosomal recessive inheritance. Observed: 1 compound heterozygote.

NM_021815.5(SLC5A7):c.1448C>T (p.Ala483Val)

Gene: SLC5A7 (solute carrier family 5 member 7; plus strand). Cytogenetic location: 2q12.3.
Variant type: single nucleotide variant.
Coding change: c.1448C>T on transcript NM_021815.5 (MANE Select); coding-DNA position 1448, C replaced by T.
Protein change: p.Ala483Val; replaces alanine 483 with valine.
Molecular consequence: missense variant.
Genome position (GRCh38, 1-based): chr2:108,010,566, C>T. VCF-style: chr2-108010566-C-T. GRCh37 (hg19) VCF-style: chr2-108627022-C-T.
Other names: CH1; c.1448C>T, p.Ala483Val (NM_001305005.3); c.1133C>T, p.Ala378Val (NM_001305006.3); c.707C>T, p.Ala236Val (NM_001305007.3); short protein forms A236V, A378V, A483V.
Identifiers: ClinVar variation 2687475 (VCV002687475.2), dbSNP rs1678284787, ClinGen allele CA348114602.